The following is an entry in ClinVar:

ClinVar aggregate classification (germline): Uncertain significance. Review status: criteria provided, multiple submitters, no conflicts (2 of 4 stars). 2 submissions from 2 submitters: Uncertain significance (2). Last evaluated 2025-09-22.

Conditions:
Inborn genetic diseases. Identifiers: MedGen C0950123, MeSH D030342.

Allele frequency attached by ClinVar (database versions not stated): gnomAD exomes below 0.00001; gnomAD 0.00001; ExAC 0.00002.
gnomAD v4.1: 15 of 1,598,918 alleles (0.00094%); highest among the groups gnomAD compares: Non-Finnish European, 0.0013%; no homozygotes.

Submissions (2):

Ambry Genetics
Classification: Uncertain significance for Inborn genetic diseases. Last evaluated: 2025-09-22. Review status: criteria provided, single submitter. Criteria: Ambry Variant Classification Scheme 2023. Collection method: clinical testing. Allele origin: germline.

Labcorp Genetics (formerly Invitae), Labcorp
Classification: Uncertain significance. Last evaluated: 2022-06-20. Review status: criteria provided, single submitter. Criteria: Invitae Variant Classification Sherloc (09022015). Collection method: clinical testing. Allele origin: germline.
Comment: In summary, the available evidence is currently insufficient to determine the role of this variant in disease. Therefore, it has been classified as a Variant of Uncertain Significance. Algorithms developed to predict the effect of missense changes on protein structure and function are either unavailable or do not agree on the potential impact of this missense change (SIFT: "Tolerated"; PolyPhen-2: "Possibly Damaging"; Align-GVGD: "Class C0"). ClinVar contains an entry for this variant (Variation ID: 1010257). This variant has not been reported in the literature in individuals affected with KIAA1549-related conditions. This variant is present in population databases (rs772102879, gnomAD 0.003%). This sequence change replaces glutamine, which is neutral and polar, with glutamic acid, which is acidic and polar, at codon 1785 of the KIAA1549 protein (p.Gln1785Glu).

NM_001164665.2(KIAA1549):c.5353C>G (p.Gln1785Glu)

Gene: KIAA1549 (KIAA1549; minus strand). Cytogenetic location: 7q34.
Variant type: single nucleotide variant.
Coding change: c.5353C>G on transcript NM_001164665.2 (MANE Select); coding-DNA position 5353, C replaced by G.
Protein change: p.Gln1785Glu; replaces glutamine 1785 with glutamic acid.
Molecular consequence: missense variant.
Genome position (GRCh38, 1-based): chr7:138,844,416, G>C on the plus strand (C>G on the coding strand, the complement: KIAA1549 is on the minus strand). VCF-style: chr7-138844416-G-C. GRCh37 (hg19) VCF-style: chr7-138529161-G-C.
Other names: c.5353C>G, p.Gln1785Glu (NM_020910.3); c.5353C>G (NM_001164665.1); short protein forms Q1785E.
Identifiers: ClinVar variation 1010257 (VCV001010257.9), dbSNP rs772102879, ClinGen allele CA4505583.